The following is an entry in ClinVar:

NM_001009944.3(PKD1):c.2128dup (p.Leu710fs)

Gene: PKD1 (polycystin 1, transient receptor potential channel interacting; minus strand). Cytogenetic location: 16p13.3.
Variant type: Duplication.
Coding change: c.2128dup on transcript NM_001009944.3 (MANE Select); coding-DNA position 2128, one base duplicated (C; older notation c.2128dupC).
Protein change: p.Leu710fs; shifts the reading frame from leucine 710.
Molecular consequence: frameshift variant.
Genome position (GRCh38, 1-based): chr16:2,114,895, G duplicated on the plus strand (C on the coding strand, the reverse complement: PKD1 is on the minus strand). VCF-style (leftmost placement, unchanged base first): chr16-2114894-A-AG. GRCh37 (hg19) VCF-style: chr16-2164895-A-AG.
Other names: c.2128dup, p.Leu710fs (NM_000296.4); short protein forms L710fs.
Identifiers: ClinVar variation 4818943 (VCV004818943.1).

ClinVar aggregate classification (germline): Pathogenic (1 of 4 stars; one submission).

Conditions:
Polycystic kidney disease, adult type (PKD1). Also called: Polycystic Kidney Disease 1, Autosomal Dominant; Polycystic kidney disease 1; Polycystic kidney disease 1, severe; Polycystic Kidney, Autosomal Dominant; POLYCYSTIC KIDNEY DISEASE, ADULT, TYPE I; POLYCYSTIC KIDNEY DISEASE 1 WITH OR WITHOUT POLYCYSTIC LIVER DISEASE. Identifiers: MedGen C3149841, MONDO:0008263, OMIM 173900.

Submission:

Victorian Clinical Genetics Services, Murdoch Childrens Research Institute
Classification: Pathogenic for Polycystic kidney disease, adult type. Last evaluated: 2026-01-28. Review status: criteria provided, single submitter. Criteria: ACMG Guidelines, 2015. Collection method: clinical testing. Allele origin: germline. Affected: yes.
Comment: This variant is classified as Pathogenic. Evidence in support of pathogenic classification: Variant is predicted to cause nonsense-mediated decay (NMD) and loss of protein (premature termination codon is located at least 54 nucleotides upstream of the final exon-exon junction); Variant is absent from gnomAD (v2, v3 and v4); Other NMD-predicted variants comparable to the one identified in this case have very strong previous evidence for pathogenicity (DECIPHER). Additional information: This variant is heterozygous; This gene is associated with autosomal dominant disease. Polycystic kidney disease 1 (MIM#173900) is predominantly caused by monoallelic variants, with rare reports of biallelic variants causing disease (OMIM); This variant has no previous evidence of pathogenicity; No published evidence of segregation with disease has been identified for this variant; No published functional evidence has been identified for this variant; Loss of function is a known mechanism of disease in this gene and is associated with polycystic kidney disease 1 (MIM#173900); Inheritance information for this variant is not currently available in this individual.